The following is an entry in ClinVar:

ClinVar aggregate classification (germline): Uncertain significance (1 of 4 stars; one submission).

Conditions:
Cardiovascular phenotype. Identifiers: MedGen CN230736.

Submission:

Ambry Genetics
Classification: Uncertain significance for Cardiovascular phenotype. Last evaluated: 2026-04-04. Review status: criteria provided, single submitter. Criteria: Ambry Variant Classification Scheme 2023. Collection method: clinical testing. Allele origin: germline.
Comment: The p.G58A variant (also known as c.173G>C), located in coding exon 1 of the BAG3 gene, results from a G to C substitution at nucleotide position 173. The glycine at codon 58 is replaced by alanine, an amino acid with similar properties. This amino acid position is conserved. In addition, this alteration is predicted to be tolerated by in silico analysis. Based on the available evidence, the clinical significance of this variant remains unclear.

NM_004281.4(BAG3):c.173G>C (p.Gly58Ala)

Gene: BAG3 (BAG cochaperone 3; plus strand). Cytogenetic location: 10q26.11.
Variant type: single nucleotide variant.
Coding change: c.173G>C on transcript NM_004281.4 (MANE Select); coding-DNA position 173, G replaced by C.
Protein change: p.Gly58Ala; replaces glycine 58 with alanine.
Molecular consequence: missense variant.
Genome position (GRCh38, 1-based): chr10:119,651,848, G>C. VCF-style: chr10-119651848-G-C. GRCh37 (hg19) VCF-style: chr10-121411360-G-C.
Other names: short protein forms G58A.
Identifiers: ClinVar variation 4867327 (VCV004867327.1).